The following is an entry in ClinVar:

NM_002470.4(MYH3):c.1894A>T (p.Ser632Cys)

Gene: MYH3 (myosin heavy chain 3; minus strand). Cytogenetic location: 17p13.1.
Variant type: single nucleotide variant.
Coding change: c.1894A>T on transcript NM_002470.4 (MANE Select); coding-DNA position 1894, A replaced by T.
Protein change: p.Ser632Cys; replaces serine 632 with cysteine.
Molecular consequence: missense variant.
Genome position (GRCh38, 1-based): chr17:10,642,305, T>A on the plus strand (A>T on the coding strand, the complement: MYH3 is on the minus strand). VCF-style: chr17-10642305-T-A. GRCh37 (hg19) VCF-style: chr17-10545622-T-A.
Other names: short protein forms S632C.
Identifiers: ClinVar variation 1914759 (VCV001914759.5), dbSNP rs764508115, ClinGen allele CA8392900.

ClinVar aggregate classification (germline): Uncertain significance (1 of 4 stars; one submission).

Allele frequency attached by ClinVar (database versions not stated): ExAC 0.00001.
gnomAD v4.1: 3 of 1,614,166 alleles (0.00019%); highest among the groups gnomAD compares: South Asian, 0.0022%; no homozygotes.

Submission:

Labcorp Genetics (formerly Invitae), Labcorp
Classification: Uncertain significance. Last evaluated: 2024-07-29. Review status: criteria provided, single submitter. Criteria: Invitae Variant Classification Sherloc (09022015). Collection method: clinical testing. Allele origin: germline.
Comment: This sequence change replaces serine, which is neutral and polar, with cysteine, which is neutral and slightly polar, at codon 632 of the MYH3 protein (p.Ser632Cys). This variant is present in population databases (rs764508115, gnomAD 0.003%). This variant has not been reported in the literature in individuals affected with MYH3-related conditions. ClinVar contains an entry for this variant (Variation ID: 1914759). Advanced modeling of protein sequence and biophysical properties (such as structural, functional, and spatial information, amino acid conservation, physicochemical variation, residue mobility, and thermodynamic stability) performed at Invitae indicates that this missense variant is not expected to disrupt MYH3 protein function with a negative predictive value of 95%. In summary, the available evidence is currently insufficient to determine the role of this variant in disease. Therefore, it has been classified as a Variant of Uncertain Significance.